The following is an entry in ClinVar:

ClinVar aggregate classification (germline): Likely benign (1 of 4 stars; one submission).

Allele frequency attached by ClinVar (database versions not stated): TOPMed 0.00003; gnomAD 0.00009; 1000 Genomes Project 30x 0.00031; 1000 Genomes Project 0.00040; ExAC 0.00064.
gnomAD v4.1: 266 of 1,584,622 alleles (0.017%); highest among the groups gnomAD compares: South Asian, 0.3%; 3 homozygotes.

Submission:

CeGaT Center for Human Genetics Tuebingen
Classification: Likely benign. Last evaluated: 2024-05-01. Review status: criteria provided, single submitter. Criteria: CeGaT Center For Human Genetics Tuebingen Variant Classification Criteria Version 2. Collection method: clinical testing. Allele origin: germline. Affected: yes. Observed: 1 variant allele.
Comment: ABCA13: BS2

NM_152701.5(ABCA13):c.10204+1G>A

Gene: ABCA13 (ATP binding cassette subfamily A member 13; plus strand). Cytogenetic location: 7p12.3.
Variant type: single nucleotide variant.
Coding change: c.10204+1G>A on transcript NM_152701.5 (MANE Select); the canonical splice donor site of the intron after coding-DNA position 10204, G replaced by A.
Molecular consequence: splice donor variant.
Genome position (GRCh38, 1-based): chr7:48,338,456, G>A. VCF-style: chr7-48338456-G-A. GRCh37 (hg19) VCF-style: chr7-48378053-G-A.
Identifiers: ClinVar variation 3239216 (VCV003239216.19), dbSNP rs569177123.